The following is an entry in ClinVar:

ClinVar aggregate classification (germline): Uncertain significance (1 of 4 stars; one submission).

Conditions:
Hypertrophic cardiomyopathy. Also called: HYPERTROPHIC MYOCARDIOPATHY. Identifiers: Orphanet 217569, MedGen C0007194, MeSH D002312, MONDO:0005045, HP:0001639.

Submission:

Labcorp Genetics (formerly Invitae), Labcorp
Classification: Uncertain significance for Hypertrophic cardiomyopathy. Last evaluated: 2023-10-04. Review status: criteria provided, single submitter. Criteria: Invitae Variant Classification Sherloc (09022015). Collection method: clinical testing. Allele origin: germline.
Comment: This sequence change falls in intron 34 of the MYH7 gene. It does not directly change the encoded amino acid sequence of the MYH7 protein. It affects a nucleotide within the consensus splice site. This variant is not present in population databases (gnomAD no frequency). This variant has not been reported in the literature in individuals affected with MYH7-related conditions. Variants that disrupt the consensus splice site are a relatively common cause of aberrant splicing (PMID: 17576681, 9536098). Algorithms developed to predict the effect of sequence changes on RNA splicing suggest that this variant is not likely to affect RNA splicing. In summary, the available evidence is currently insufficient to determine the role of this variant in disease. Therefore, it has been classified as a Variant of Uncertain Significance.

Literature cited by the submitters: PubMed 17576681; PubMed 9536098.

NM_000257.4(MYH7):c.4953+3A>T

Genes: MHRT (myosin heavy chain associated RNA transcript; plus strand), MYH7 (myosin heavy chain 7; minus strand), LOC126861897 (BRD4-independent group 4 enhancer GRCh37_chr14:23884455-23885654; plus strand). Cytogenetic location: 14q11.2.
Variant type: single nucleotide variant.
Coding change: c.4953+3A>T on transcript NM_000257.4 (MANE Select); 3 bases into the intron after coding-DNA position 4953, A replaced by T.
Molecular consequence: intron variant. On other transcripts: non-coding transcript variant (1).
Genome position (GRCh38, 1-based): chr14:23,416,001, T>A on the plus strand (A>T on the coding strand, the complement: MYH7 is on the minus strand). VCF-style: chr14-23416001-T-A. GRCh37 (hg19) VCF-style: chr14-23885210-T-A.
Other names: c.4953+3A>T (NM_001407004.1).
Identifiers: ClinVar variation 2765215 (VCV002765215.3), dbSNP rs2502244173, ClinGen allele CA2697553892.